The following is an entry in ClinVar:

NM_001267550.2(TTN):c.96297T>C (p.Leu32099=)

Genes: TTN (titin; minus strand), TTN-AS1 (TTN antisense RNA 1; plus strand), LOC126806421 (CDK7 strongly-dependent group 2 enhancer GRCh37_chr2:179407630-179408829; plus strand). Cytogenetic location: 2q31.2.
Variant type: single nucleotide variant.
Coding change: c.96297T>C on transcript NM_001267550.2 (MANE Select); coding-DNA position 96297, T replaced by C.
Protein change: p.Leu32099=; no amino-acid change (leucine 32099 retained).
Molecular consequence: synonymous variant.
Genome position (GRCh38, 1-based): chr2:178,543,847, A>G on the plus strand (T>C on the coding strand, the complement: TTN is on the minus strand). VCF-style: chr2-178543847-A-G. GRCh37 (hg19) VCF-style: chr2-179408574-A-G.
Other names: c.91374T>C, p.Leu30458= (NM_001256850.1); c.69102T>C, p.Leu23034= (NM_003319.4); c.88593T>C, p.Leu29531= (NM_133378.4); c.69477T>C, p.Leu23159= (NM_133432.3); c.69678T>C, p.Leu23226= (NM_133437.4).
Identifiers: ClinVar variation 2586580 (VCV002586580.21), dbSNP rs186343409, ClinGen allele CA1986787.
Genomic context (GRCh38, chr2:178,543,847, plus strand): 5'-TTAGAGGATCTACTCATTGTATAGCCAATTTTAAGTAAAATGCTTACCATAGACTTTAAC[A>G]AGGACTGTTGCTGATTTCTTGCCAGATTGGTTTTCAGCTTCAATTGTGTATTTTCCAGCA-3'
Protein context (NP_001254479.2, residues 32089-32109): NQSGKKSATV[Leu32099=]VKVYDTPGPC

ClinVar aggregate classification (germline): Likely benign. Review status: criteria provided, multiple submitters, no conflicts (2 of 4 stars). 3 submissions from 3 submitters: Likely benign (3). Last evaluated 2026-08-01.

Conditions:
Cardiovascular phenotype. Identifiers: MedGen CN230736.
Dilated cardiomyopathy 1G (CMD1G). Identifiers: Orphanet 154, MedGen C1858763, MONDO:0011400, OMIM 604145.
Autosomal recessive limb-girdle muscular dystrophy type 2J (LGMDR10). Also called: Limb-girdle muscular dystrophy, type 2J; MUSCULAR DYSTROPHY, LIMB-GIRDLE, AUTOSOMAL RECESSIVE 10. Identifiers: Orphanet 140922, MedGen C1837342, MONDO:0012127, OMIM 608807.

Allele frequency attached by ClinVar (database versions not stated): ExAC 0.00001; gnomAD 0.00001; gnomAD exomes 0.00001; TOPMed 0.00001; 1000 Genomes Project 30x 0.00016; 1000 Genomes Project 0.00020.
gnomAD v4.1: 10 of 1,613,626 alleles (0.00062%); highest among the groups gnomAD compares: Non-Finnish European, 0.00059%; no homozygotes.

Submissions (3):

CeGaT Center for Human Genetics Tuebingen
Classification: Likely benign. Last evaluated: 2026-08-01. Review status: criteria provided, single submitter. Criteria: CeGaT Center For Human Genetics Tuebingen Variant Classification Criteria Version 2. Collection method: clinical testing. Allele origin: germline. Affected: yes. Observed: 2 variant alleles.
Comment: TTN: BP4, BP7

Labcorp Genetics (formerly Invitae), Labcorp
Classification: Likely benign for Dilated cardiomyopathy 1G; Autosomal recessive limb-girdle muscular dystrophy type 2J. Last evaluated: 2024-07-21. Review status: criteria provided, single submitter. Criteria: Invitae Variant Classification Sherloc (09022015). Collection method: clinical testing. Allele origin: germline.

Ambry Genetics
Classification: Likely benign for Cardiovascular phenotype. Last evaluated: 2023-09-06. Review status: criteria provided, single submitter. Criteria: Ambry Variant Classification Scheme 2023. Collection method: clinical testing. Allele origin: germline.